The following is an entry in ClinVar:

ClinVar aggregate classification (germline): Uncertain significance (1 of 4 stars; one submission).

Allele frequency attached by ClinVar (database versions not stated): gnomAD 0.00001; gnomAD exomes 0.00001.
gnomAD v4.1: 4 of 1,613,948 alleles (0.00025%); highest among the groups gnomAD compares: East Asian, 0.0067%; no homozygotes.

Submission:

Labcorp Genetics (formerly Invitae), Labcorp
Classification: Uncertain significance. Last evaluated: 2022-07-29. Review status: criteria provided, single submitter. Criteria: Invitae Variant Classification Sherloc (09022015). Collection method: clinical testing. Allele origin: germline.
Comment: This sequence change replaces leucine, which is neutral and non-polar, with valine, which is neutral and non-polar, at codon 636 of the KIDINS220 protein (p.Leu636Val). This variant is present in population databases (no rsID available, gnomAD 0.007%). This variant has not been reported in the literature in individuals affected with KIDINS220-related conditions. Algorithms developed to predict the effect of missense changes on protein structure and function are either unavailable or do not agree on the potential impact of this missense change (SIFT: "Deleterious"; PolyPhen-2: "Possibly Damaging"; Align-GVGD: "Class C0"). In summary, the available evidence is currently insufficient to determine the role of this variant in disease. Therefore, it has been classified as a Variant of Uncertain Significance.

NM_020738.4(KIDINS220):c.1906C>G (p.Leu636Val)

Gene: KIDINS220 (kinase D interacting substrate 220; minus strand). Cytogenetic location: 2p25.1.
Variant type: single nucleotide variant.
Coding change: c.1906C>G on transcript NM_020738.4 (MANE Select); coding-DNA position 1906, C replaced by G.
Protein change: p.Leu636Val; replaces leucine 636 with valine.
Molecular consequence: missense variant. On other transcripts: non-coding transcript variant (2).
Genome position (GRCh38, 1-based): chr2:8,786,239, G>C on the plus strand (C>G on the coding strand, the complement: KIDINS220 is on the minus strand). VCF-style: chr2-8786239-G-C. GRCh37 (hg19) VCF-style: chr2-8926369-G-C.
Other names: c.1909C>G, p.Leu637Val (NM_001348729.2, NM_001348731.2, NM_001348734.2 and 3 more transcripts); c.1906C>G, p.Leu636Val (NM_001348732.2, NM_001348735.2, NM_001348738.2 and 3 more transcripts); c.1780C>G, p.Leu594Val (NM_001348736.2); short protein forms L594V, L637V, L636V.
Identifiers: ClinVar variation 2185529 (VCV002185529.4), dbSNP rs6758815, ClinGen allele CA345765177.